The following is an entry in ClinVar:

NM_001130021.3(ATP6V0A1):c.1199C>T (p.Pro400Leu)

Gene: ATP6V0A1 (ATPase H+ transporting V0 subunit a1; plus strand). Cytogenetic location: 17q21.2.
Variant type: single nucleotide variant.
Coding change: c.1199C>T on transcript NM_001130021.3 (MANE Select); coding-DNA position 1199, C replaced by T.
Protein change: p.Pro400Leu; replaces proline 400 with leucine.
Molecular consequence: missense variant.
Genome position (GRCh38, 1-based): chr17:42,494,358, C>T. VCF-style: chr17-42494358-C-T. GRCh37 (hg19) VCF-style: chr17-40646376-C-T.
Other names: c.1220C>T, p.Pro407Leu (NM_001130020.3, NM_001378522.1, NM_001378523.1 and 3 more transcripts); c.1322C>T, p.Pro441Leu (NM_001378530.1, NM_001378533.1, NM_001378551.1 and 1 more transcripts); c.1343C>T, p.Pro448Leu (NM_001378531.1, NM_001378532.1); c.1199C>T, p.Pro400Leu (NM_001378535.1, NM_001378537.1, NM_001378542.1 and 4 more transcripts); c.1091C>T, p.Pro364Leu (NM_001378536.1, NM_001378550.1, NM_001378556.1); c.1070C>T, p.Pro357Leu (NM_001378538.1, NM_001378540.1); c.1040C>T, p.Pro347Leu (NM_001378543.1); c.989C>T, p.Pro330Leu (NM_001378545.1, NM_001378554.1); and 2 more; short protein forms P329L, P330L, P340L, P347L, P357L, P364L, P400L, P407L.
Identifiers: ClinVar variation 3346293 (VCV003346293.1).

ClinVar aggregate classification (germline): Uncertain significance (0 of 4 stars; one submission).

Conditions:
ATP6V0A1-related condition.

Submission:

PreventionGenetics, part of Exact Sciences
Classification: Uncertain significance for ATP6V0A1-related condition. Last evaluated: 2024-08-14. Review status: no assertion criteria provided. Collection method: clinical testing. Allele origin: germline.
Comment: The ATP6V0A1 c.1220C>T variant is predicted to result in the amino acid substitution p.Pro407Leu. To our knowledge, this variant has not been reported in the literature or in a large population database, indicating this variant is rare. At this time, the clinical significance of this variant is uncertain due to the absence of conclusive functional and genetic evidence.